The following is an entry in ClinVar:

ClinVar aggregate classification (germline): Pathogenic (1 of 4 stars; one submission).

Conditions:
Hereditary cancer-predisposing syndrome. Also called: Hereditary neoplastic syndrome; Hereditary Cancer Syndrome; Neoplastic Syndromes, Hereditary; Tumor predisposition. Identifiers: Orphanet 140162, MedGen C0027672, MeSH D009386, MONDO:0015356.

Submission:

Ambry Genetics
Classification: Pathogenic for Hereditary cancer-predisposing syndrome. Last evaluated: 2023-06-12. Review status: criteria provided, single submitter. Criteria: Ambry Variant Classification Scheme 2023. Collection method: clinical testing. Allele origin: germline.
Comment: The c.4838delC pathogenic mutation, located in coding exon 15 of the APC gene, results from a deletion of one nucleotide at nucleotide position 4838, causing a translational frameshift with a predicted alternate stop codon (p.P1613Lfs*37). This alteration occurs at the 3' terminus of APC gene, is not expected to trigger nonsense-mediated mRNA decay, and impacts the last 1231 amino acids of the protein. However, premature stop codons are typically deleterious in nature and a significant portion of the protein is affected (Ambry internal data). This alteration has been observed in at least one individual with a personal and/or family history that is consistent with APC-related disease (Ambry internal data). This variant is considered to be rare based on population cohorts in the Genome Aggregation Database (gnomAD). Based on the supporting evidence, this alteration is interpreted as a disease-causing mutation.

NM_000038.6(APC):c.4838del (p.Pro1613fs)

Gene: APC (APC regulator of Wnt signaling pathway; plus strand). Cytogenetic location: 5q22.2.
Variant type: Deletion.
Coding change: c.4838del on transcript NM_000038.6 (MANE Select); coding-DNA position 4838, one base deleted (C; older notation c.4838delC).
Protein change: p.Pro1613fs; shifts the reading frame from proline 1613.
Molecular consequence: frameshift variant. On other transcripts: non-coding transcript variant (2).
Genome position (GRCh38, 1-based): chr5:112,840,432, C deleted; the last of 2 consecutive C bases (chr5:112,840,431-112,840,432); deleting either gives the same sequence. VCF-style (leftmost placement, unchanged base first): chr5-112840430-GC-G. GRCh37 (hg19) VCF-style: chr5-112176127-GC-G.
Other names: c.4838del, p.Pro1613fs (NM_001127510.3, NM_001354895.2, NM_001407450.1); c.4784del, p.Pro1595fs (NM_001127511.3); c.4892del, p.Pro1631fs (NM_001354896.2, NM_001407447.1, NM_001407448.1 and 1 more transcripts); c.4868del, p.Pro1623fs (NM_001354897.2); c.4763del, p.Pro1588fs (NM_001354898.2); c.4754del, p.Pro1585fs (NM_001354899.2); c.4715del, p.Pro1572fs (NM_001354900.2); c.4661del, p.Pro1554fs (NM_001354901.2, NM_001407453.1); and 11 more; short protein forms P1330fs, P1530fs, P1595fs, P1606fs, P1631fs, P1453fs, P1484fs, P1487fs.
Identifiers: ClinVar variation 2567054 (VCV002567054.2), dbSNP rs2533603055, ClinGen allele CA2580613637.